The following is an entry in ClinVar:

NM_025114.4(CEP290):c.7264G>T (p.Glu2422Ter)

Genes: CEP290 (centrosomal protein 290; minus strand), RLIG1 (RNA 5'-phosphate and 3'-OH ligase 1; plus strand). Cytogenetic location: 12q21.32.
Variant type: single nucleotide variant.
Coding change: c.7264G>T on transcript NM_025114.4 (MANE Select); coding-DNA position 7264, G replaced by T.
Protein change: p.Glu2422Ter; replaces glutamic acid 2422 with a stop codon.
Molecular consequence: nonsense. On other transcripts: 3 prime UTR variant (1).
Genome position (GRCh38, 1-based): chr12:88,049,360, C>A on the plus strand (G>T on the coding strand, the complement: CEP290 is on the minus strand). VCF-style: chr12-88049360-C-A. GRCh37 (hg19) VCF-style: chr12-88443137-C-A.
Other names: c.*938C>A (NM_001009894.3); short protein forms E2422*.
Identifiers: ClinVar variation 1448988 (VCV001448988.6), dbSNP rs2136547054, ClinGen allele CA385973003.

ClinVar aggregate classification (germline): Pathogenic (1 of 4 stars; one submission).

Conditions:
Nephronophthisis. Also called: Juvenile Nephronophthisis. Identifiers: Orphanet 655, MedGen C0687120, MONDO:0019005, HP:0000090.
Meckel-Gruber syndrome. Also called: DYSENCEPHALIA SPLANCHNOCYSTICA; GRUBER SYNDROME; Dysencephalia splachnocystica. Identifiers: Orphanet 564, MedGen C0265215, MONDO:0018921.
Joubert syndrome. Also called: CEREBELLOPARENCHYMAL DISORDER IV; JOUBERT-BOLTSHAUSER SYNDROME; Familial aplasia of the vermis. Identifiers: Orphanet 475, MedGen C5979921, MONDO:0018772.

Submission:

Labcorp Genetics (formerly Invitae), Labcorp
Classification: Pathogenic for Joubert syndrome; Meckel-Gruber syndrome; Nephronophthisis. Last evaluated: 2021-10-21. Review status: criteria provided, single submitter. Criteria: Invitae Variant Classification Sherloc (09022015). Collection method: clinical testing. Allele origin: germline.
Comment: This variant is not present in population databases (ExAC no frequency). This sequence change creates a premature translational stop signal (p.Glu2422*) in the CEP290 gene. While this is not anticipated to result in nonsense mediated decay, it is expected to disrupt the last 58 amino acid(s) of the CEP290 protein. This variant has not been reported in the literature in individuals affected with CEP290-related conditions. For these reasons, this variant has been classified as Pathogenic. This variant disrupts a region of the CEP290 protein in which other variant(s) (p.Leu2448Thrfs*8) have been determined to be pathogenic (PMID: 16682973, 16909394, 29588463). This suggests that this is a clinically significant region of the protein, and that variants that disrupt it are likely to be disease-causing.

Literature cited by the submitters: PubMed 16682973; PubMed 16909394; PubMed 29588463.